The following is an entry in ClinVar:

ClinVar aggregate classification (germline): Uncertain significance. Review status: criteria provided, multiple submitters, no conflicts (2 of 4 stars). 3 submissions from 3 submitters: Uncertain significance (3). Last evaluated 2025-06-29.

Conditions:
Hereditary cancer-predisposing syndrome. Also called: Tumor predisposition; Neoplastic Syndromes, Hereditary; Hereditary Cancer Syndrome; Hereditary neoplastic syndrome. Identifiers: Orphanet 140162, MedGen C0027672, MeSH D009386, MONDO:0015356.
Ataxia-telangiectasia syndrome (AT). Also called: Ataxia-telangiectasia; Ataxia-telangiectasia, complementation group D; AT, COMPLEMENTATION GROUP C; LOUIS-BAR SYNDROME; Cerebello-oculocutaneous telangiectasia; Immunodeficiency with ataxia telangiectasia. Identifiers: Orphanet 100, MedGen C0004135, MONDO:0008840, OMIM 208900.

Allele frequency attached by ClinVar (database versions not stated): gnomAD exomes below 0.00001.
gnomAD v4.1: 1 of 1,612,170 alleles (0.000062%); highest among the groups gnomAD compares: South Asian, 0.0011%; no homozygotes.

Submissions (3):

Labcorp Genetics (formerly Invitae), Labcorp
Classification: Uncertain significance for Ataxia-telangiectasia syndrome. Last evaluated: 2025-06-29. Review status: criteria provided, single submitter. Criteria: Invitae Variant Classification Sherloc (09022015). Collection method: clinical testing. Allele origin: germline.
Comment: This sequence change replaces proline, which is neutral and non-polar, with alanine, which is neutral and non-polar, at codon 597 of the ATM protein (p.Pro597Ala). This variant is not present in population databases (gnomAD no frequency). This variant has not been reported in the literature in individuals affected with ATM-related conditions. ClinVar contains an entry for this variant (Variation ID: 489514). Invitae Evidence Modeling of protein sequence and biophysical properties (such as structural, functional, and spatial information, amino acid conservation, physicochemical variation, residue mobility, and thermodynamic stability) indicates that this missense variant is not expected to disrupt ATM protein function with a negative predictive value of 95%. In summary, the available evidence is currently insufficient to determine the role of this variant in disease. Therefore, it has been classified as a Variant of Uncertain Significance.

Ambry Genetics
Classification: Uncertain significance for Hereditary cancer-predisposing syndrome. Last evaluated: 2024-01-03. Review status: criteria provided, single submitter. Criteria: Ambry Variant Classification Scheme 2023. Collection method: clinical testing. Allele origin: germline.
Comment: The p.P597A variant (also known as c.1789C>G), located in coding exon 10 of the ATM gene, results from a C to G substitution at nucleotide position 1789. The proline at codon 597 is replaced by alanine, an amino acid with highly similar properties. This amino acid position is highly conserved in available vertebrate species. In addition, the in silico prediction for this alteration is inconclusive. Since supporting evidence is limited at this time, the clinical significance of this alteration remains unclear.

Color Diagnostics, LLC DBA Color Health
Classification: Uncertain significance for Hereditary cancer-predisposing syndrome. Last evaluated: 2022-12-14. Review status: criteria provided, single submitter. Criteria: ACMG Guidelines, 2015. Collection method: clinical testing. Allele origin: germline.
Comment: This missense variant replaces proline with alanine at codon 597 of the ATM protein. Computational prediction suggests that this variant may not impact protein structure and function (internally defined REVEL score threshold <= 0.5, PMID: 27666373). To our knowledge, functional studies have not been reported for this variant. This variant has not been reported in individuals affected with ATM-related disorders in the literature. This variant has not been identified in the general population by the Genome Aggregation Database (gnomAD). The available evidence is insufficient to determine the role of this variant in disease conclusively. Therefore, this variant is classified as a Variant of Uncertain Significance.

NM_000051.4(ATM):c.1789C>G (p.Pro597Ala)

Gene: ATM (ATM serine/threonine kinase; plus strand). Cytogenetic location: 11q22.3.
Variant type: single nucleotide variant.
Coding change: c.1789C>G on transcript NM_000051.4 (MANE Select); coding-DNA position 1789, C replaced by G.
Protein change: p.Pro597Ala; replaces proline 597 with alanine.
Molecular consequence: missense variant.
Genome position (GRCh38, 1-based): chr11:108,252,018, C>G. VCF-style: chr11-108252018-C-G. GRCh37 (hg19) VCF-style: chr11-108122745-C-G.
Other names: c.1789C>G, p.Pro597Ala (NM_001351834.2); short protein forms P597A.
Identifiers: ClinVar variation 489514 (VCV000489514.13), dbSNP rs1555072070, ClinGen allele CA382535545.